The following is an entry in ClinVar:

NM_033056.4(PCDH15):c.5721_5724del (p.Leu1908fs)

Gene: PCDH15 (protocadherin related 15; minus strand). Cytogenetic location: 10q21.1.
Variant type: Deletion.
Coding change: c.5721_5724del on transcript NM_033056.4 (MANE Plus Clinical); coding-DNA positions 5721 to 5724, 4 bases deleted (TCTA; older notation c.5721_5724delTCTA).
Protein change: p.Leu1908fs; shifts the reading frame from leucine 1908.
Molecular consequence: frameshift variant. On other transcripts: intron variant (8).
Genome position (GRCh38, 1-based): chr10:53,822,002-53,822,005, TAGA deleted on the plus strand (TCTA on the coding strand, the reverse complement: PCDH15 is on the minus strand); deleting any 4 consecutive bases within chr10:53,822,002-53,822,008 gives the same sequence; the c. name uses the placement nearest the transcript's 3' end. VCF-style (leftmost placement, unchanged base first): chr10-53822001-GTAGA-G. GRCh37 (hg19) VCF-style: chr10-55581761-GTAGA-G.
Other names: c.5742_5745del, p.Leu1915fs (NM_001142763.2); c.5727_5730del, p.Leu1910fs (NM_001142764.2); c.5514_5517del, p.Leu1839fs (NM_001142765.2); c.5712_5715del, p.Leu1905fs (NM_001142766.2); c.5601_5604del, p.Leu1868fs (NM_001142767.2); c.5661_5664del, p.Leu1888fs (NM_001142768.2); c.5652_5655del, p.Leu1885fs (NM_001142773.2); c.5655_5658del, p.Leu1886fs (NM_001354404.2); and 8 more; short protein forms L1839fs, L1868fs, L1885fs, L1886fs, L1888fs, L1905fs, L1908fs, L1910fs.
Identifiers: ClinVar variation 1180252 (VCV001180252.12), dbSNP rs568470164, ClinGen allele CA5504972.
Genomic context (GRCh38, chr10:53,822,001, plus strand): 5'-TGATTTCCATATTTGTTACTTCTGAAGGGCACATAGTTTGAAGTTCTGAAACATTTGTGC[GTAGA>G]TAGTTTTTTTCTATTTGACTGTACATGTTAGCTACTGATTTTTCAAGTTCTGCTAAGTTT-3'

ClinVar aggregate classification (germline): Conflicting classifications of pathogenicity. Review status: criteria provided, conflicting classifications (1 of 4 stars). 5 submissions from 5 submitters: Uncertain significance (2); Likely benign (1). 2 of the submissions do not count toward it. Last evaluated 2025-09-25.

Conditions:
PCDH15-related disorder. Also called: PCDH15-related condition; PCDH15-related disorders.
Usher syndrome type 1F (USH1F). Also called: USHER SYNDROME, TYPE IF. Identifiers: Orphanet 231169, Orphanet 886, MedGen C1865885, MONDO:0011186, OMIM 602083.

Submissions (5):

GeneDx
Classification: Uncertain significance. Last evaluated: 2025-09-25. Review status: criteria provided, single submitter. Criteria: GeneDx Variant Classification Process June 2021. Collection method: clinical testing. Allele origin: germline. Affected: yes.
Comment: Reported in a patient undergoing carrier screening in published literature, however, case-level information was not provided (PMID: 25307757); Frameshift variant predicted to result in abnormal protein length as the last 48 amino acid(s) are replaced with 14 different amino acid(s), and other similar variants have been reported in HGMD; This variant is associated with the following publications: (PMID: 25307757, 33090715)

Labcorp Genetics (formerly Invitae), Labcorp
Classification: Likely benign. Last evaluated: 2025-01-23. Review status: criteria provided, single submitter. Criteria: Invitae Variant Classification Sherloc (09022015). Collection method: clinical testing. Allele origin: germline.

Blueprint Genetics
Classification: Uncertain significance. Last evaluated: 2022-10-06. Review status: criteria provided, single submitter. Criteria: ACMG Guidelines, 2015. Collection method: clinical testing. Allele origin: germline.

PreventionGenetics, part of Exact Sciences
Classification: Uncertain significance for PCDH15-related condition. Last evaluated: 2024-08-29. Review status: no assertion criteria provided. Collection method: clinical testing. Allele origin: germline. Not counted in ClinVar's aggregate classification.
Comment: The PCDH15 c.5721_5724delTCTA variant is predicted to result in a frameshift and premature protein termination (p.Leu1908Alafs*15). To our knowledge, this variant has not been reported in the literature. This variant is reported in 0.0099% of alleles in individuals of Ashkenazi Jewish descent in gnomAD. This variant occurs in the last exon of the PCDH15 alternatively spliced transcript known as CD1 (NM_033056), but this exon is not required for proper inner ear hair cell function and maintenance of hearing and is not included in the biologically relevant transcript for hearing loss known as CD2 (NM_001142769; Webb et al. 2011. PubMed ID: 21427143; Pepermans et al. 2014. PubMed ID: 24940003). Furthermore, loss of function variants in this exon of CD1 have been shown to occur at population frequencies inconsistent with pathogenicity (Perreault-Micale et al. 2014. PubMed ID: 25307757). This variant is interpreted as suspected benign.

Natera, Inc.
Classification: Uncertain significance for Usher syndrome type 1F. Last evaluated: 2020-06-10. Review status: no assertion criteria provided. Collection method: clinical testing. Allele origin: germline. Not counted in ClinVar's aggregate classification.